The following is an entry in ClinVar:

ClinVar aggregate classification (germline): Uncertain significance (1 of 4 stars; one submission).

gnomAD v4.1: 16 of 1,606,550 alleles (0.001%); highest among the groups gnomAD compares: South Asian, 0.0067%; no homozygotes.

Submission:

Labcorp Genetics (formerly Invitae), Labcorp
Classification: Uncertain significance. Last evaluated: 2025-12-24. Review status: criteria provided, single submitter. Criteria: Invitae Variant Classification Sherloc (09022015). Collection method: clinical testing. Allele origin: germline.
Comment: This sequence change replaces arginine, which is basic and polar, with glutamine, which is neutral and polar, at codon 928 of the DCHS1 protein (p.Arg928Gln). The frequency data for this variant in the population databases is considered unreliable, as metrics indicate poor data quality at this position in the gnomAD database. This variant has not been reported in the literature in individuals affected with DCHS1-related conditions. Invitae Evidence Modeling of protein sequence and biophysical properties (such as structural, functional, and spatial information, amino acid conservation, physicochemical variation, residue mobility, and thermodynamic stability) indicates that this missense variant is not expected to disrupt DCHS1 protein function with a negative predictive value of 80%. In summary, the available evidence is currently insufficient to determine the role of this variant in disease. Therefore, it has been classified as a Variant of Uncertain Significance.

NM_003737.4(DCHS1):c.2783G>A (p.Arg928Gln)

Gene: DCHS1 (dachsous cadherin-related 1; minus strand). Cytogenetic location: 11p15.4.
Variant type: single nucleotide variant.
Coding change: c.2783G>A on transcript NM_003737.4 (MANE Select); coding-DNA position 2783, G replaced by A.
Protein change: p.Arg928Gln; replaces arginine 928 with glutamine.
Molecular consequence: missense variant.
Genome position (GRCh38, 1-based): chr11:6,632,729, C>T on the plus strand (G>A on the coding strand, the complement: DCHS1 is on the minus strand). VCF-style: chr11-6632729-C-T. GRCh37 (hg19) VCF-style: chr11-6653960-C-T.
Other names: short protein forms R928Q.
Identifiers: ClinVar variation 4692737 (VCV004692737.1).
Genomic context (GRCh38, chr11:6,632,729, plus strand): 5'-CCTGTGGTGGGGTCCACGGTGAAGGCTCCACCACCCCCAGCAAGCAGGGTAAAGGTGACT[C>T]GACTGTTAACACCTGAGTCGGGGTCAAGAGCCCGCAGTGTATAGATGGGAGTCCCTGGGG-3'
Protein context (NP_003728.1, residues 918-938): ALDPDSGVNS[Arg928Gln]VTFTLLAGGG